The following is an entry in ClinVar:

NM_152703.5(SAMD9L):c.1532C>T (p.Pro511Leu)

Gene: SAMD9L (sterile alpha motif domain containing 9 like; minus strand). Cytogenetic location: 7q21.2.
Variant type: single nucleotide variant.
Coding change: c.1532C>T on transcript NM_152703.5 (MANE Select); coding-DNA position 1532, C replaced by T.
Protein change: p.Pro511Leu; replaces proline 511 with leucine.
Molecular consequence: missense variant.
Genome position (GRCh38, 1-based): chr7:93,134,440, G>A on the plus strand (C>T on the coding strand, the complement: SAMD9L is on the minus strand). VCF-style: chr7-93134440-G-A. GRCh37 (hg19) VCF-style: chr7-92763753-G-A.
Other names: c.1532C>T, p.Pro511Leu (NM_001350083.2, NM_001350084.2, NM_001350085.2 and 5 more transcripts); short protein forms P511L.
Identifiers: ClinVar variation 3316119 (VCV003316119.2).

ClinVar aggregate classification (germline): Uncertain significance (1 of 4 stars; one submission).

Conditions:
Inborn genetic diseases. Identifiers: MedGen C0950123, MeSH D030342.

gnomAD v4.1: 2 of 1,613,908 alleles (0.00012%); highest among the groups gnomAD compares: Non-Finnish European, 0.00017%; no homozygotes.

Submission:

Ambry Genetics
Classification: Uncertain significance for Inborn genetic diseases. Last evaluated: 2025-08-22. Review status: criteria provided, single submitter. Criteria: Ambry Variant Classification Scheme 2023. Collection method: clinical testing. Allele origin: germline.
Comment: The p.P511L variant (also known as c.1532C>T), located in coding exon 1 of the SAMD9L gene, results from a C to T substitution at nucleotide position 1532. The proline at codon 511 is replaced by leucine, an amino acid with similar properties. This amino acid position is conserved. In addition, this alteration is predicted to be tolerated by in silico analysis. Based on the available evidence, the clinical significance of this variant remains unclear.